The following is an entry in ClinVar:

NM_001079802.2(FKTN):c.794A>G (p.Asp265Gly)

Gene: FKTN (fukutin; plus strand). Cytogenetic location: 9q31.2.
Variant type: single nucleotide variant.
Coding change: c.794A>G on transcript NM_001079802.2 (MANE Select); coding-DNA position 794, A replaced by G.
Protein change: p.Asp265Gly; replaces aspartic acid 265 with glycine.
Molecular consequence: missense variant. On other transcripts: non-coding transcript variant (1).
Genome position (GRCh38, 1-based): chr9:105,615,291, A>G. VCF-style: chr9-105615291-A-G. GRCh37 (hg19) VCF-style: chr9-108377572-A-G.
Other names: c.794A>G, p.Asp265Gly (NM_001198963.2, NM_001351496.2, NM_001351498.2 and 1 more transcripts); c.725A>G, p.Asp242Gly (NM_001351497.2); c.398A>G, p.Asp133Gly (NM_001351499.2, NM_001351500.2, NM_001351501.2 and 1 more transcripts); short protein forms D133G, D242G, D265G.
Identifiers: ClinVar variation 1509905 (VCV001509905.5), dbSNP rs2133098941, ClinGen allele CA374377116.

ClinVar aggregate classification (germline): Uncertain significance (1 of 4 stars; one submission).

Conditions:
Walker-Warburg congenital muscular dystrophy. Also called: Muscular dystrophy-dystroglycanopathy, type A; Walker-Warburg syndrome. Identifiers: Orphanet 899, MedGen C0265221, MONDO:0000171.

Submission:

Labcorp Genetics (formerly Invitae), Labcorp
Classification: Uncertain significance for Walker-Warburg congenital muscular dystrophy. Last evaluated: 2022-03-08. Review status: criteria provided, single submitter. Criteria: Invitae Variant Classification Sherloc (09022015). Collection method: clinical testing. Allele origin: germline.
Comment: This sequence change replaces aspartic acid, which is acidic and polar, with glycine, which is neutral and non-polar, at codon 265 of the FKTN protein (p.Asp265Gly). This variant is not present in population databases (gnomAD no frequency). This variant has not been reported in the literature in individuals affected with FKTN-related conditions. Algorithms developed to predict the effect of missense changes on protein structure and function are either unavailable or do not agree on the potential impact of this missense change (SIFT: "Deleterious"; PolyPhen-2: "Benign"; Align-GVGD: "Class C0"). Algorithms developed to predict the effect of sequence changes on RNA splicing suggest that this variant may create or strengthen a splice site. In summary, the available evidence is currently insufficient to determine the role of this variant in disease. Therefore, it has been classified as a Variant of Uncertain Significance.